The following is an entry in ClinVar:

NM_017654.4(SAMD9):c.126T>A (p.Asn42Lys)

Gene: SAMD9 (sterile alpha motif domain containing 9; minus strand). Cytogenetic location: 7q21.2.
Variant type: single nucleotide variant.
Coding change: c.126T>A on transcript NM_017654.4 (MANE Select); coding-DNA position 126, T replaced by A.
Protein change: p.Asn42Lys; replaces asparagine 42 with lysine.
Molecular consequence: missense variant.
Genome position (GRCh38, 1-based): chr7:93,105,972, A>T on the plus strand (T>A on the coding strand, the complement: SAMD9 is on the minus strand). VCF-style: chr7-93105972-A-T. GRCh37 (hg19) VCF-style: chr7-92735285-A-T.
Other names: c.126T>A, p.Asn42Lys (NM_001193307.2); short protein forms N42K.
Identifiers: ClinVar variation 3949688 (VCV003949688.1).

ClinVar aggregate classification (germline): Uncertain significance (1 of 4 stars; one submission).

Conditions:
Inborn genetic diseases. Identifiers: MedGen C0950123, MeSH D030342.

Submission:

Ambry Genetics
Classification: Uncertain significance for Inborn genetic diseases. Last evaluated: 2025-05-31. Review status: criteria provided, single submitter. Criteria: Ambry Variant Classification Scheme 2023. Collection method: clinical testing. Allele origin: germline.
Comment: The p.N42K variant (also known as c.126T>A), located in coding exon 1 of the SAMD9 gene, results from a T to A substitution at nucleotide position 126. The asparagine at codon 42 is replaced by lysine, an amino acid with similar properties. This amino acid position is conserved. In addition, this alteration is predicted to be tolerated by in silico analysis. Based on the available evidence, the clinical significance of this variant remains unclear.